The following is an entry in ClinVar:

NM_001042492.3(NF1):c.197_198insAGAATGTTAGGCCGGGCGCGGTGGCTCACGCCTGTAATCCCAGCACTTTGGGAGGCCGAGGCGGGCGGATCACGAGGTCAGGAGATCGAGACCATCCTGGCTAACACGGTGAAACCCCGTCTCNNNNNNNNNNAAAAAAAAAAAAAAAAAAAAAA (p.Asn66delinsLysGluCysTer)

Gene: NF1 (neurofibromin 1; plus strand). Cytogenetic location: 17q11.2.
Variant type: Insertion.
Coding change: c.197_198insAGAATGTTAGGCCGGGCGCGGTGGCTCACGCCTGTAATCCCAGCACTTTGGGAGGCCGAGGCGGGCGGATCACGAGGTCAGGAGATCGAGACCATCCTGGCTAACACGGTGAAACCCCGTCTCNNNNNNNNNNAAAAAAAAAAAAAAAAAAAAAA on transcript NM_001042492.3 (MANE Select); coding-DNA positions 197 to 198, AGAATGTTAGGCCGGGCGCGGTGGCTCACGCCTGTAATCCCAGCACTTTGGGAGGCCGAGGCGGGCGGATCACGAGGTCAGGAGATCGAGACCATCCTGGCTAACACGGTGAAACCCCGTCTCNNNNNNNNNNAAAAAAAAAAAAAAAAAAAAAA inserted.
Protein change: p.Asn66delinsLysGluCysTer.
Molecular consequence: nonsense. On other transcripts: frameshift variant (1).
Genome position: GRCh38: chr17:31,156,119-31,156,120. GRCh37 (hg19): chr17:29,483,137-29,483,138.
Other names: c.197_198insAGAATGTTAGGCCGGGCGCGGTGGCTCACGCCTGTAATCCCAGCACTTTGGGAGGCCGAGGCGGGCGGATCACGAGGTCAGGAGATCGAGACCATCCTGGCTAACACGGTGAAACCCCGTCTCNNNNNNNNNNAAAAAAAAAAAAAAAAAAAAAA, p.Asn66Lysfs (NM_000267.4); c.197_198insAGAATGTTAGGCCGGGCGCGGTGGCTCACGCCTGTAATCCCAGCACTTTGGGAGGCCGAGGCGGGCGGATCACGAGGTCAGGAGATCGAGACCATCCTGGCTAACACGGTGAAACCCCGTCTCNNNNNNNNNNAAAAAAAAAAAAAAAAAAAAAA, p.Asn66delinsLysGluCysTer (NM_001128147.3).
Identifiers: ClinVar variation 1073544 (VCV001073544.5), dbSNP rs2143627564.

ClinVar aggregate classification (germline): Pathogenic (1 of 4 stars; one submission).

Conditions:
Neurofibromatosis, type 1 (NF1). Also called: VON RECKLINGHAUSEN DISEASE; Peripheral type neurofibromatosis; NEUROFIBROMATOSIS, TYPE I, SOMATIC; Neurofibromatosis, type I. Identifiers: Orphanet 636, MedGen C0027831, MONDO:0018975, OMIM 162200. Disease mechanism: loss of function.

Submission:

Labcorp Genetics (formerly Invitae), Labcorp
Classification: Pathogenic for Neurofibromatosis, type 1. Last evaluated: 2020-06-18. Review status: criteria provided, single submitter. Criteria: Invitae Variant Classification Sherloc (09022015). Collection method: clinical testing. Allele origin: germline.
Comment: This sequence change inserts a large fragment of DNA, likely a transposable element, in exon 2 of the NF1 gene (c.197_198insSVA), causing a frameshift at codon 66 (p.Asn66fs). The exact size and sequence of the insertion cannot be determined by the current assay. However, the insertion is expected to result in an absent or disrupted protein product. For these reasons, this variant has been classified as Pathogenic. Retrotransposon insertions including LINE1 (L1), Alu, and SVA (SINE-VNTR-Alu) have been reported to be disease-causing through disruption of either a coding region or splice site (PMID: 19763152, 20307669, 22406018) and loss-of-function variants in NF1 are known to be pathogenic (PMID: 10712197, 23913538). This variant has not been reported in the literature in individuals with NF1-related conditions. This variant is not present in population databases (ExAC no frequency).

Literature cited by the submitters: PubMed 19763152; PubMed 20307669; PubMed 22406018; PubMed 10712197; PubMed 23913538.